The following is an entry in ClinVar:

ClinVar aggregate classification (germline): Uncertain significance. Review status: criteria provided, multiple submitters, no conflicts (2 of 4 stars). 3 submissions from 3 submitters: Uncertain significance (3). Last evaluated 2025-09-30.

Conditions:
Medulloblastoma (MDB). Also called: Medulloblastoma, somatic; MEDULLOBLASTOMA PREDISPOSITION SYNDROME. Identifiers: Orphanet 616, MedGen C0025149, MeSH D008527, MONDO:0007959, OMIM 155255, HP:0002885.
Gorlin syndrome. Also called: Basal cell nevus syndrome; Nevoid Basal Cell Carcinoma Syndrome. Identifiers: Orphanet 377, MedGen C0004779, MONDO:0007187.
Hereditary cancer-predisposing syndrome. Also called: Tumor predisposition; Neoplastic Syndromes, Hereditary; Hereditary Cancer Syndrome; Hereditary neoplastic syndrome. Identifiers: Orphanet 140162, MedGen C0027672, MeSH D009386, MONDO:0015356.

Allele frequency attached by ClinVar (database versions not stated): gnomAD exomes 0.00001.
gnomAD v4.1: 12 of 1,614,122 alleles (0.00074%); highest among the groups gnomAD compares: South Asian, 0.0011%; no homozygotes.

Submissions (3):

Labcorp Genetics (formerly Invitae), Labcorp
Classification: Uncertain significance for Gorlin syndrome; Medulloblastoma. Last evaluated: 2025-09-30. Review status: criteria provided, single submitter. Criteria: Invitae Variant Classification Sherloc (09022015). Collection method: clinical testing. Allele origin: germline.
Comment: This sequence change replaces cysteine, which is neutral and slightly polar, with arginine, which is basic and polar, at codon 156 of the SUFU protein (p.Cys156Arg). This variant is not present in population databases (gnomAD no frequency). This variant has not been reported in the literature in individuals affected with SUFU-related conditions. ClinVar contains an entry for this variant (Variation ID: 486531). Invitae Evidence Modeling of protein sequence and biophysical properties (such as structural, functional, and spatial information, amino acid conservation, physicochemical variation, residue mobility, and thermodynamic stability) indicates that this missense variant is not expected to disrupt SUFU protein function with a negative predictive value of 80%. In summary, the available evidence is currently insufficient to determine the role of this variant in disease. Therefore, it has been classified as a Variant of Uncertain Significance.

Ambry Genetics
Classification: Uncertain significance for Hereditary cancer-predisposing syndrome. Last evaluated: 2024-02-25. Review status: criteria provided, single submitter. Criteria: Ambry Variant Classification Scheme 2023. Collection method: clinical testing. Allele origin: germline.
Comment: The p.C156R variant (also known as c.466T>C), located in coding exon 4 of the SUFU gene, results from a T to C substitution at nucleotide position 466. The cysteine at codon 156 is replaced by arginine, an amino acid with highly dissimilar properties. This amino acid position is highly conserved in available vertebrate species. In addition, this alteration is predicted to be deleterious by in silico analysis. Since supporting evidence is limited at this time, the clinical significance of this alteration remains unclear.

Illumina Laboratory Services, Illumina
Classification: Uncertain significance for Medulloblastoma. Last evaluated: 2018-01-12. Review status: criteria provided, single submitter. Criteria: ICSL Variant Classification Criteria 13 December 2019. Collection method: clinical testing. Allele origin: germline.

NM_016169.4(SUFU):c.466T>C (p.Cys156Arg)

Gene: SUFU (SUFU negative regulator of hedgehog signaling; plus strand). Cytogenetic location: 10q24.32.
Variant type: single nucleotide variant.
Coding change: c.466T>C on transcript NM_016169.4 (MANE Select); coding-DNA position 466, T replaced by C.
Protein change: p.Cys156Arg; replaces cysteine 156 with arginine.
Molecular consequence: missense variant.
Genome position (GRCh38, 1-based): chr10:102,592,593, T>C. VCF-style: chr10-102592593-T-C. GRCh37 (hg19) VCF-style: chr10-104352350-T-C.
Other names: c.466T>C, p.Cys156Arg (NM_001178133.2); short protein forms C156R.
Identifiers: ClinVar variation 486531 (VCV000486531.14), dbSNP rs1554852266, ClinGen allele CA377908062.